The following is an entry in ClinVar:

ClinVar aggregate classification (germline): Uncertain significance (1 of 4 stars; one submission).

Conditions:
Early-infantile DEE. Also called: Early infantile epileptic encephalopathy; Early infantile epileptic encephalopathy with suppression bursts; Ohtahara syndrome. Identifiers: Orphanet 1934, MedGen C0393706, MONDO:0800491.

Allele frequency attached by ClinVar (database versions not stated): gnomAD exomes below 0.00001.
gnomAD v4.1: 1 of 1,614,192 alleles (0.000062%); highest among the groups gnomAD compares: Non-Finnish European, 0.000085%; no homozygotes.

Submission:

Labcorp Genetics (formerly Invitae), Labcorp
Classification: Uncertain significance for Early-infantile DEE. Last evaluated: 2023-02-26. Review status: criteria provided, single submitter. Criteria: Invitae Variant Classification Sherloc (09022015). Collection method: clinical testing. Allele origin: germline.
Comment: In summary, the available evidence is currently insufficient to determine the role of this variant in disease. Therefore, it has been classified as a Variant of Uncertain Significance. Advanced modeling of protein sequence and biophysical properties (such as structural, functional, and spatial information, amino acid conservation, physicochemical variation, residue mobility, and thermodynamic stability) has been performed at Invitae for this missense variant, however the output from this modeling did not meet the statistical confidence thresholds required to predict the impact of this variant on SPTAN1 protein function. This variant has not been reported in the literature in individuals affected with SPTAN1-related conditions. This variant is not present in population databases (gnomAD no frequency). This sequence change replaces alanine, which is neutral and non-polar, with proline, which is neutral and non-polar, at codon 761 of the SPTAN1 protein (p.Ala761Pro).

NM_001130438.3(SPTAN1):c.2281G>C (p.Ala761Pro)

Gene: SPTAN1 (spectrin alpha, non-erythrocytic 1; plus strand). Cytogenetic location: 9q34.11.
Variant type: single nucleotide variant.
Coding change: c.2281G>C on transcript NM_001130438.3 (MANE Select); coding-DNA position 2281, G replaced by C.
Protein change: p.Ala761Pro; replaces alanine 761 with proline.
Molecular consequence: missense variant.
Genome position (GRCh38, 1-based): chr9:128,584,369, G>C. VCF-style: chr9-128584369-G-C. GRCh37 (hg19) VCF-style: chr9-131346648-G-C.
Other names: c.2317G>C, p.Ala773Pro (NM_001375312.2, NM_001375318.1); c.2281G>C, p.Ala761Pro (NM_001375313.1, NM_001375314.2, NM_003127.4 and 5 more transcripts); short protein forms A761P, A773P.
Identifiers: ClinVar variation 2841161 (VCV002841161.3), dbSNP rs1644306711, ClinGen allele CA375057289.